The following is an entry in ClinVar:

NM_005477.3(HCN4):c.3401G>T (p.Gly1134Val)

Gene: HCN4 (hyperpolarization activated cyclic nucleotide gated potassium channel 4; minus strand). Cytogenetic location: 15q24.1.
Variant type: single nucleotide variant.
Coding change: c.3401G>T on transcript NM_005477.3 (MANE Select); coding-DNA position 3401, G replaced by T.
Protein change: p.Gly1134Val; replaces glycine 1134 with valine.
Molecular consequence: missense variant.
Genome position (GRCh38, 1-based): chr15:73,322,692, C>A on the plus strand (G>T on the coding strand, the complement: HCN4 is on the minus strand). VCF-style: chr15-73322692-C-A. GRCh37 (hg19) VCF-style: chr15-73615033-C-A.
Other names: short protein forms G1134V.
Identifiers: ClinVar variation 4807270 (VCV004807270.1).

ClinVar aggregate classification (germline): Uncertain significance (1 of 4 stars; one submission).

Conditions:
Brugada syndrome 8 (BRGDA8). Identifiers: Orphanet 130, MedGen C2751083, MONDO:0013148, OMIM 613123.

Submission:

Labcorp Genetics (formerly Invitae), Labcorp
Classification: Uncertain significance for Brugada syndrome 8. Last evaluated: 2025-04-09. Review status: criteria provided, single submitter. Criteria: Invitae Variant Classification Sherloc (09022015). Collection method: clinical testing. Allele origin: germline.
Comment: This sequence change replaces glycine, which is neutral and non-polar, with valine, which is neutral and non-polar, at codon 1134 of the HCN4 protein (p.Gly1134Val). This variant is not present in population databases (gnomAD no frequency). This variant has not been reported in the literature in individuals affected with HCN4-related conditions. Invitae Evidence Modeling of protein sequence and biophysical properties (such as structural, functional, and spatial information, amino acid conservation, physicochemical variation, residue mobility, and thermodynamic stability) has been performed for this missense variant. However, the output from this modeling did not meet the statistical confidence thresholds required to predict the impact of this variant on HCN4 protein function. In summary, the available evidence is currently insufficient to determine the role of this variant in disease. Therefore, it has been classified as a Variant of Uncertain Significance.